The following is an entry in ClinVar:

ClinVar aggregate classification (germline): Uncertain significance (1 of 4 stars; one submission).

Conditions:
Multiple mitochondrial dysfunctions syndrome 6. Identifiers: Orphanet 569290, MedGen C4693741, MONDO:0054785, OMIM 617954.

Allele frequency attached by ClinVar (database versions not stated): ExAC 0.00004.
gnomAD v4.1: 17 of 1,614,004 alleles (0.0011%); highest among the groups gnomAD compares: South Asian, 0.019%; 1 homozygote.

Submission:

Baylor Genetics
Classification: Uncertain significance for Multiple mitochondrial dysfunctions syndrome 6. Last evaluated: 2019-07-21. Review status: criteria provided, single submitter. Criteria: ACMG Guidelines, 2015. Collection method: clinical testing. Allele origin: unknown. Affected: yes.
Comment: This variant was determined to be of uncertain significance according to ACMG Guidelines, 2015 [PMID:25741868].

NM_004279.3(PMPCB):c.150A>C (p.Gln50His)

Gene: PMPCB (peptidase, mitochondrial processing subunit beta; plus strand). Cytogenetic location: 7q22.1.
Variant type: single nucleotide variant.
Coding change: c.150A>C on transcript NM_004279.3 (MANE Select); coding-DNA position 150, A replaced by C.
Protein change: p.Gln50His; replaces glutamine 50 with histidine.
Molecular consequence: missense variant.
Genome position (GRCh38, 1-based): chr7:103,298,618, A>C. VCF-style: chr7-103298618-A-C. GRCh37 (hg19) VCF-style: chr7-102939065-A-C.
Other names: short protein forms Q50H.
Identifiers: ClinVar variation 1030757 (VCV001030757.1), dbSNP rs762743960, ClinGen allele CA4417851.